The following is an entry in ClinVar:

ClinVar aggregate classification (germline): Uncertain significance (1 of 4 stars; one submission).

Conditions:
Hereditary cancer-predisposing syndrome. Also called: Neoplastic Syndromes, Hereditary; Tumor predisposition; Hereditary Cancer Syndrome; Hereditary neoplastic syndrome. Identifiers: Orphanet 140162, MedGen C0027672, MeSH D009386, MONDO:0015356.

Submission:

Ambry Genetics
Classification: Uncertain significance for Hereditary cancer-predisposing syndrome. Last evaluated: 2025-10-01. Review status: criteria provided, single submitter. Criteria: Ambry Variant Classification Scheme 2023. Collection method: clinical testing. Allele origin: germline.
Comment: The p.V242A variant (also known as c.725T>C), located in coding exon 5 of the NTHL1 gene, results from a T to C substitution at nucleotide position 725. The valine at codon 242 is replaced by alanine, an amino acid with similar properties. This amino acid position is conserved. In addition, this alteration is predicted to be deleterious by in silico analysis. Based on the available evidence, the clinical significance of this variant remains unclear.

NM_002528.7(NTHL1):c.701T>C (p.Val234Ala)

Gene: NTHL1 (nth like DNA glycosylase 1; minus strand). Cytogenetic location: 16p13.3.
Variant type: single nucleotide variant.
Coding change: c.701T>C on transcript NM_002528.7 (MANE Select); coding-DNA position 701, T replaced by C.
Protein change: p.Val234Ala; replaces valine 234 with alanine.
Molecular consequence: missense variant.
Genome position (GRCh38, 1-based): chr16:2,040,223, A>G on the plus strand (T>C on the coding strand, the complement: NTHL1 is on the minus strand). VCF-style: chr16-2040223-A-G. GRCh37 (hg19) VCF-style: chr16-2090224-A-G.
Other names: c.530T>C, p.Val177Ala (NM_001318193.2); c.371T>C, p.Val124Ala (NM_001318194.2); short protein forms V124A, V234A, V177A.
Identifiers: ClinVar variation 4662251 (VCV004662251.1).